The following is an entry in ClinVar:

NM_001034853.2(RPGR):c.2420_2427delinsGGAAGTA (p.Glu807fs)

Gene: RPGR (retinitis pigmentosa GTPase regulator; minus strand). Cytogenetic location: Xp11.4.
Variant type: Indel.
Coding change: c.2420_2427delinsGGAAGTA on transcript NM_001034853.2 (MANE Select); coding-DNA positions 2420 to 2427, AAAAAGAG replaced by GGAAGTA.
Protein change: p.Glu807fs; shifts the reading frame from glutamic acid 807.
Molecular consequence: frameshift variant. On other transcripts: intron variant (8).
Genome position (GRCh38, 1-based): chrX:38,286,572-38,286,579, CTCTTTTT replaced by TACTTCC on the plus strand (AAAAAGAG replaced by GGAAGTA on the coding strand, the reverse complement: RPGR is on the minus strand). VCF-style: chrX-38286572-CTCTTTTT-TACTTCC. GRCh37 (hg19) VCF-style: chrX-38145825-CTCTTTTT-TACTTCC.
Other names: c.1569+4380_1569+4387delinsGGAAGTA (NM_001367249.1, NM_001367250.1); c.1902+515_1902+522delinsGGAAGTA (NM_001367245.1); c.1386+4380_1386+4387delinsGGAAGTA (NM_001367251.1); c.1719+515_1719+522delinsGGAAGTA (NM_001367246.1); c.1572+4380_1572+4387delinsGGAAGTA (NM_001367247.1); c.1905+515_1905+522delinsGGAAGTA (NM_000328.3); c.1602+4380_1602+4387delinsGGAAGTA (NM_001367248.1); short protein forms E807fs.
Identifiers: ClinVar variation 5007554 (VCV005007554.2).

ClinVar aggregate classification (germline): Likely pathogenic (1 of 4 stars; one submission).

Conditions:
Macular degeneration, X-linked atrophic. Identifiers: Orphanet 1872, MedGen C3151784, MONDO:0010443, OMIM 300834.
Retinitis pigmentosa 3. Also called: CHOROIDORETINAL DEGENERATION WITH RETINAL REFLEX IN HETEROZYGOUS WOMEN. Identifiers: Orphanet 791, MedGen C1845667, MONDO:0010227, OMIM 300029.
Retinitis pigmentosa, X-linked, and sinorespiratory infections, with or without deafness (RPSRDF). Identifiers: Orphanet 247522, MedGen C2749137, OMIM 300455.
X-linked cone-rod dystrophy 1 (CORDX1). Identifiers: Orphanet 1872, MedGen C1844776, MONDO:0010566, OMIM 304020.

Submission:

Juno Genomics, Hangzhou Juno Genomics, Inc
Classification: Likely pathogenic for X-linked cone-rod dystrophy 1; Macular degeneration, X-linked atrophic; Retinitis pigmentosa 3; Retinitis pigmentosa, X-linked, and sinorespiratory infections, with or without deafness. Review status: criteria provided, single submitter. Criteria: ACMG Guidelines, 2015. Collection method: clinical testing. Allele origin: germline.
Comment: Absent from controls (or at extremely low frequency if recessive) in Genome Aggregation Database.;Null variant in a gene where loss of function (LOF) is a known mechanism of disease.;Patient's phenotype or family history is highly specific for a disease with a single genetic etiology.